The following is an entry in ClinVar:

ClinVar aggregate classification (germline): Conflicting classifications of pathogenicity. Review status: criteria provided, conflicting classifications (1 of 4 stars). 4 submissions from 4 submitters: Uncertain significance (1); Likely benign (3). Last evaluated 2025-02-26.

Conditions:
Retinitis pigmentosa (RP). Identifiers: Orphanet 791, MedGen C0035334, MeSH D012174, MONDO:0019200, OMIM 268000. Inheritance: Autosomal dominant, autosomal recessive and X linked inheritance.
EYS-related disorder. Also called: EYS-related condition.

Allele frequency attached by ClinVar (database versions not stated): gnomAD exomes 0.00001 and 0.00006; TOPMed 0.00002; gnomAD 0.00003.
gnomAD v4.1: 85 of 1,549,506 alleles (0.0055%); highest among the groups gnomAD compares: Non-Finnish European, 0.0072%; no homozygotes.

Submissions (4):

PreventionGenetics, part of Exact Sciences
Classification: Likely benign for EYS-related condition. Last evaluated: 2025-02-26. Review status: criteria provided, single submitter. Criteria: ACMG Guidelines, 2015. Collection method: clinical testing. Allele origin: germline.
Comment: This variant is classified as likely benign based on ACMG/AMP sequence variant interpretation guidelines (Richards et al. 2015 PMID: 25741868, with internal and published modifications).

Blueprint Genetics
Classification: Likely benign. Last evaluated: 2024-05-02. Review status: criteria provided, single submitter. Criteria: ACMG Guidelines, 2015. Collection method: clinical testing. Allele origin: germline.

Labcorp Genetics (formerly Invitae), Labcorp
Classification: Likely benign. Last evaluated: 2024-02-10. Review status: criteria provided, single submitter. Criteria: Invitae Variant Classification Sherloc (09022015). Collection method: clinical testing. Allele origin: germline.

Illumina Laboratory Services, Illumina
Classification: Uncertain significance for Retinitis pigmentosa. Last evaluated: 2018-01-12. Review status: criteria provided, single submitter. Criteria: ICSL Variant Classification Criteria 13 December 2019. Collection method: clinical testing. Allele origin: germline.

NM_001142800.2(EYS):c.6912G>A (p.Gly2304=)

Gene: EYS (EGF-like photoreceptor maintenance factor; minus strand). Cytogenetic location: 6q12.
Variant type: single nucleotide variant.
Coding change: c.6912G>A on transcript NM_001142800.2 (MANE Select); coding-DNA position 6912, G replaced by A.
Protein change: p.Gly2304=; no amino-acid change (glycine 2304 retained).
Molecular consequence: synonymous variant.
Genome position (GRCh38, 1-based): chr6:63,984,526, C>T on the plus strand (G>A on the coding strand, the complement: EYS is on the minus strand). VCF-style: chr6-63984526-C-T. GRCh37 (hg19) VCF-style: chr6-64694419-C-T.
Other names: c.6912G>A, p.Gly2304= (NM_001292009.2).
Identifiers: ClinVar variation 741821 (VCV000741821.16), dbSNP rs745961740, ClinGen allele CA140266918.
Genomic context (GRCh38, chr6:63,984,526, plus strand): 5'-TTCATCGATGATGAAGAATTCTTTGTTGTTTACTTGAAGGTCTAGAATGCAGCCCCTGAA[C>T]CCATAAACAGGACCTGCTTTCTTATGAATTTGAACATTTGCAGGAATATGGCCAAGGAAC-3'
Protein context (NP_001136272.1, residues 2294-2314): QIHKKAGPVY[Gly2304=]FRGCILDLQV